The following is an entry in ClinVar:

ClinVar aggregate classification (germline): Pathogenic (1 of 4 stars; one submission).

Submission:

Labcorp Genetics (formerly Invitae), Labcorp
Classification: Pathogenic. Last evaluated: 2024-01-02. Review status: criteria provided, single submitter. Criteria: Invitae Variant Classification Sherloc (09022015). Collection method: clinical testing. Allele origin: germline.
Comment: This sequence change creates a premature translational stop signal (p.Cys663*) in the POLE gene. It is expected to result in an absent or disrupted protein product. Loss-of-function variants in POLE are known to be pathogenic (PMID: 23230001, 25948378, 30503519). This variant is not present in population databases (gnomAD no frequency). This variant has not been reported in the literature in individuals affected with POLE-related conditions. For these reasons, this variant has been classified as Pathogenic.

Literature cited by the submitters: PubMed 23230001; PubMed 25948378; PubMed 30503519.

NM_006231.4(POLE):c.1989_1995del (p.Asn662_Cys663insTer)

Gene: POLE (DNA polymerase epsilon, catalytic subunit; minus strand). Cytogenetic location: 12q24.33.
Variant type: Deletion.
Coding change: c.1989_1995del on transcript NM_006231.4 (MANE Select); coding-DNA positions 1989 to 1995, 7 bases deleted (CCAGCGG; older notation c.1989_1995delCCAGCGG).
Protein change: p.Asn662_Cys663insTer.
Molecular consequence: nonsense.
Genome position (GRCh38, 1-based): chr12:132,668,666-132,668,672, CCGCTGG deleted on the plus strand (CCAGCGG on the coding strand, the reverse complement: POLE is on the minus strand); deleting any 7 consecutive bases within chr12:132,668,666-132,668,673 gives the same sequence; the c. name uses the placement nearest the transcript's 3' end. VCF-style (leftmost placement, unchanged base first): chr12-132668665-TCCGCTGG-T. GRCh37 (hg19) VCF-style: chr12-133245251-TCCGCTGG-T.
Identifiers: ClinVar variation 2698906 (VCV002698906.3), dbSNP rs2542101674, ClinGen allele CA2697551640.